The following is an entry in ClinVar:

NM_025137.4(SPG11):c.5392G>A (p.Glu1798Lys)

Gene: SPG11 (SPG11 vesicle trafficking associated, spatacsin; minus strand). Cytogenetic location: 15q21.1.
Variant type: single nucleotide variant.
Coding change: c.5392G>A on transcript NM_025137.4 (MANE Select); coding-DNA position 5392, G replaced by A.
Protein change: p.Glu1798Lys; replaces glutamic acid 1798 with lysine.
Molecular consequence: missense variant.
Genome position (GRCh38, 1-based): chr15:44,584,288, C>T on the plus strand (G>A on the coding strand, the complement: SPG11 is on the minus strand). VCF-style: chr15-44584288-C-T. GRCh37 (hg19) VCF-style: chr15-44876486-C-T.
Other names: c.5392G>A, p.Glu1798Lys (NM_001160227.2); short protein forms E1798K.
Identifiers: ClinVar variation 534882 (VCV000534882.15), dbSNP rs201254271, ClinGen allele CA7534419.

ClinVar aggregate classification (germline): Conflicting classifications of pathogenicity. Review status: criteria provided, conflicting classifications (1 of 4 stars). 6 submissions from 4 submitters: Likely pathogenic (1); Uncertain significance (5). Last evaluated 2025-11-24.

Conditions:
Hereditary spastic paraplegia 11. Also called: SPASTIC PARAPLEGIA, AUTOSOMAL RECESSIVE, COMPLICATED, WITH THIN CORPUS CALLOSUM; SPASTIC PARAPLEGIA, AUTOSOMAL RECESSIVE, WITH MENTAL IMPAIRMENT AND THIN CORPUS CALLOSUM; Spastic Paraplegia 11; Nakamura Osame syndrome; Autosomal recessive hereditary spastic paraplegia, mental impairment, and thin corpus callosum; Spastic paraplegia, mental retardation and thin corpus callosum. Identifiers: Orphanet 2822, MedGen C1858479, MONDO:0011445, OMIM 604360.
Charcot-Marie-Tooth disease axonal type 2X. Also called: CHARCOT-MARIE-TOOTH DISEASE, AXONAL, AUTOSOMAL RECESSIVE, TYPE 2X; CHARCOT-MARIE-TOOTH NEUROPATHY, TYPE 2X. Identifiers: Orphanet 466775, MedGen C5569024, MONDO:0014726, OMIM 616668.
Amyotrophic lateral sclerosis type 5 (ALS5). Also called: AMYOTROPHIC LATERAL SCLEROSIS 5, JUVENILE. Identifiers: Orphanet 300605, MedGen C1865864, MONDO:0011196, OMIM 602099.

Allele frequency attached by ClinVar (database versions not stated): ExAC 0.00001; gnomAD 0.00001; gnomAD exomes 0.00002 and 0.00005; TOPMed 0.00002.
gnomAD v4.1: 76 of 1,612,860 alleles (0.0047%); highest among the groups gnomAD compares: Non-Finnish European, 0.0064%; no homozygotes.

Submissions (6):

Labcorp Genetics (formerly Invitae), Labcorp
Classification: Likely pathogenic for Hereditary spastic paraplegia 11. Last evaluated: 2025-11-24. Review status: criteria provided, single submitter. Criteria: Invitae Variant Classification Sherloc (09022015). Collection method: clinical testing. Allele origin: germline.
Comment: This sequence change replaces glutamic acid, which is acidic and polar, with lysine, which is basic and polar, at codon 1798 of the SPG11 protein (p.Glu1798Lys). This variant is present in population databases (rs201254271, gnomAD 0.003%). This missense change has been observed in individual(s) with clinical features of SPG11-related conditions (PMID: 34906502, 38544359; internal data). In at least one individual the data is consistent with being in trans (on the opposite chromosome) from a pathogenic variant. ClinVar contains an entry for this variant (Variation ID: 534882). Invitae Evidence Modeling of protein sequence and biophysical properties (such as structural, functional, and spatial information, amino acid conservation, physicochemical variation, residue mobility, and thermodynamic stability) indicates that this missense variant is expected to disrupt SPG11 protein function with a positive predictive value of 80%. In summary, the currently available evidence indicates that the variant is pathogenic, but additional data are needed to prove that conclusively. Therefore, this variant has been classified as Likely Pathogenic.

Blueprint Genetics
Classification: Uncertain significance. Last evaluated: 2024-04-23. Review status: criteria provided, single submitter. Criteria: ACMG Guidelines, 2015. Collection method: clinical testing. Allele origin: germline.

Illumina Laboratory Services, Illumina
Classification: Uncertain significance for Hereditary spastic paraplegia 11. Last evaluated: 2018-01-12. Review status: criteria provided, single submitter. Criteria: ICSL Variant Classification Criteria 13 December 2019. Collection method: clinical testing. Allele origin: germline.

Genome-Nilou Lab
Classification: Uncertain significance for Amyotrophic lateral sclerosis type 5. Review status: criteria provided, single submitter. Criteria: ACMG Guidelines, 2015. Collection method: clinical testing. Allele origin: germline.

Genome-Nilou Lab
Classification: Uncertain significance for Charcot-Marie-Tooth disease axonal type 2X. Review status: criteria provided, single submitter. Criteria: ACMG Guidelines, 2015. Collection method: clinical testing. Allele origin: germline.

Genome-Nilou Lab
Classification: Uncertain significance for Hereditary spastic paraplegia 11. Review status: criteria provided, single submitter. Criteria: ACMG Guidelines, 2015. Collection method: clinical testing. Allele origin: germline.

Literature cited by the submitters: PubMed 34906502 (cited by Labcorp Genetics (formerly Invitae), Labcorp); PubMed 38544359 (cited by Labcorp Genetics (formerly Invitae), Labcorp).